The following is an entry in ClinVar:

ClinVar aggregate classification (germline): Uncertain significance (1 of 4 stars; one submission).

Submission:

GeneDx
Classification: Uncertain significance. Last evaluated: 2024-06-14. Review status: criteria provided, single submitter. Criteria: GeneDx Variant Classification Process June 2021. Collection method: clinical testing. Allele origin: germline. Affected: yes.
Comment: Not observed at significant frequency in large population cohorts (gnomAD); In silico analysis indicates that this missense variant does not alter protein structure/function; Has not been previously published as pathogenic or benign to our knowledge

NM_001134407.3(GRIN2A):c.3173A>C (p.His1058Pro)

Gene: GRIN2A (glutamate ionotropic receptor NMDA type subunit 2A; minus strand). Cytogenetic location: 16p13.2.
Variant type: single nucleotide variant.
Coding change: c.3173A>C on transcript NM_001134407.3 (MANE Select); coding-DNA position 3173, A replaced by C.
Protein change: p.His1058Pro; replaces histidine 1058 with proline.
Molecular consequence: missense variant.
Genome position (GRCh38, 1-based): chr16:9,764,371, T>G on the plus strand (A>C on the coding strand, the complement: GRIN2A is on the minus strand). VCF-style: chr16-9764371-T-G. GRCh37 (hg19) VCF-style: chr16-9858228-T-G.
Other names: c.3173A>C, p.His1058Pro (NM_000833.5, NM_001134408.2); short protein forms H1058P.
Identifiers: ClinVar variation 3390550 (VCV003390550.1).